The following is an entry in ClinVar:

ClinVar aggregate classification (germline): Uncertain significance (1 of 4 stars; one submission).

Conditions:
Hereditary cancer-predisposing syndrome. Also called: Hereditary neoplastic syndrome; Hereditary Cancer Syndrome; Neoplastic Syndromes, Hereditary; Tumor predisposition. Identifiers: Orphanet 140162, MedGen C0027672, MeSH D009386, MONDO:0015356.

Submission:

Ambry Genetics
Classification: Uncertain significance for Hereditary cancer-predisposing syndrome. Last evaluated: 2023-05-13. Review status: criteria provided, single submitter. Criteria: Ambry Variant Classification Scheme 2023. Collection method: clinical testing. Allele origin: germline.
Comment: The p.Q59R variant (also known as c.176A>G), located in coding exon 3 of the NBN gene, results from an A to G substitution at nucleotide position 176. The glutamine at codon 59 is replaced by arginine, an amino acid with highly similar properties. This amino acid position is conserved. In addition, the in silico prediction for this alteration is inconclusive. Since supporting evidence is limited at this time, the clinical significance of this alteration remains unclear.

NM_002485.5(NBN):c.176A>G (p.Gln59Arg)

Gene: NBN (nibrin; minus strand). Cytogenetic location: 8q21.3.
Variant type: single nucleotide variant.
Coding change: c.176A>G on transcript NM_002485.5 (MANE Select); coding-DNA position 176, A replaced by G.
Protein change: p.Gln59Arg; replaces glutamine 59 with arginine.
Molecular consequence: missense variant. On other transcripts: 5 prime UTR variant (1).
Genome position (GRCh38, 1-based): chr8:89,981,519, T>C on the plus strand (A>G on the coding strand, the complement: NBN is on the minus strand). VCF-style: chr8-89981519-T-C. GRCh37 (hg19) VCF-style: chr8-90993747-T-C.
Other names: c.-71A>G (NM_001024688.3); short protein forms Q59R.
Identifiers: ClinVar variation 2566736 (VCV002566736.2), dbSNP rs2488361714, ClinGen allele CA371662637.